The following is an entry in ClinVar:

NC_000011.9:g.(?_67814890)_(67815449_?)del

Gene: TCIRG1 (T cell immune regulator 1, ATPase H+ transporting V0 subunit a3; plus strand). Cytogenetic location: 11q13.2.
Variant type: Deletion.
Identifiers: ClinVar variation 1449740 (VCV001449740.4).

ClinVar aggregate classification (germline): Pathogenic (1 of 4 stars; one submission).

Submission:

Labcorp Genetics (formerly Invitae), Labcorp
Classification: Pathogenic. Last evaluated: 2022-11-01. Review status: criteria provided, single submitter. Criteria: Invitae Variant Classification Sherloc (09022015). Collection method: clinical testing. Allele origin: germline.
Comment: This variant is a gross deletion of the genomic region encompassing exon(s) 11-13 of the TCIRG1 gene. This deletion is out-of-frame, and is expected to create a premature termination codon and result in an absent or disrupted protein product. Loss-of-function variants in TCIRG1 are known to be pathogenic (PMID: 10888887, 10942435, 11532986, 19448635). A similar copy number variant has been observed in individual(s) with osteopetrosis (PMID: 18715141). For these reasons, this variant has been classified as Pathogenic.

Literature cited by the submitters: PubMed 10888887; PubMed 10942435; PubMed 11532986; PubMed 19448635; PubMed 18715141.